The following is an entry in ClinVar:

ClinVar aggregate classification (germline): Uncertain significance. Review status: criteria provided, multiple submitters, no conflicts (2 of 4 stars). 2 submissions from 2 submitters: Uncertain significance (2). Last evaluated 2024-02-08.

gnomAD v4.1: 5 of 1,614,194 alleles (0.00031%); highest among the groups gnomAD compares: South Asian, 0.0011%; no homozygotes.

Submissions (2):

Women's Health and Genetics/Laboratory Corporation of America, LabCorp
Classification: Uncertain significance. Last evaluated: 2024-02-08. Review status: criteria provided, single submitter. Criteria: LabCorp Variant Classification Summary - May 2015. Collection method: clinical testing. Allele origin: germline.
Comment: Variant summary: TRRAP c.2698G>A (p.Gly900Ser) results in a non-conservative amino acid change in the encoded protein sequence. Three of three in-silico tools predict a damaging effect of the variant on protein function. The variant was absent in 251454 control chromosomes. The available data on variant occurrences in the general population are insufficient to allow any conclusion about variant significance. To our knowledge, no occurrence of c.2698G>A in individuals affected with Developmental Delay With Or Without Dysmorphic Facies And Autism and no experimental evidence demonstrating its impact on protein function have been reported. ClinVar contains an entry for this variant (Variation ID: 1314378). Based on the evidence outlined above, the variant was classified as uncertain significance.

GeneDx
Classification: Uncertain significance. Last evaluated: 2021-04-05. Review status: criteria provided, single submitter. Criteria: GeneDx Variant Classification Process June 2021. Collection method: clinical testing. Allele origin: germline. Affected: yes.
Comment: Not observed in large population cohorts (Lek et al., 2016); In silico analysis supports that this missense variant has a deleterious effect on protein structure/function; Has not been previously published as pathogenic or benign to our knowledge

NM_001375524.1(TRRAP):c.2698G>A (p.Gly900Ser)

Gene: TRRAP (transformation/transcription domain associated protein; plus strand). Cytogenetic location: 7q22.1.
Variant type: single nucleotide variant.
Coding change: c.2698G>A on transcript NM_001375524.1 (MANE Select); coding-DNA position 2698, G replaced by A.
Protein change: p.Gly900Ser; replaces glycine 900 with serine.
Molecular consequence: missense variant.
Genome position (GRCh38, 1-based): chr7:98,921,828, G>A. VCF-style: chr7-98921828-G-A. GRCh37 (hg19) VCF-style: chr7-98519451-G-A.
Other names: c.2698G>A, p.Gly900Ser (NM_001244580.2, NM_003496.4); short protein forms G900S.
Identifiers: ClinVar variation 1314378 (VCV001314378.4), dbSNP rs2116467619, ClinGen allele CA368294059.